The following is an entry in ClinVar:

NM_000038.6(APC):c.2415dup (p.His806fs)

Gene: APC (APC regulator of Wnt signaling pathway; plus strand). Cytogenetic location: 5q22.2.
Variant type: Duplication.
Coding change: c.2415dup on transcript NM_000038.6 (MANE Select); coding-DNA position 2415, one base duplicated (A; older notation c.2415dupA).
Protein change: p.His806fs; shifts the reading frame from histidine 806.
Molecular consequence: frameshift variant.
Genome position (GRCh38, 1-based): chr5:112,838,009, A duplicated. VCF-style (leftmost placement, unchanged base first): chr5-112838008-G-GA. GRCh37 (hg19) VCF-style: chr5-112173705-G-GA.
Other names: c.2415dup, p.His806fs (NM_001127510.3, NM_001354895.2); c.2361dup, p.His788fs (NM_001127511.3); c.2469dup, p.His824fs (NM_001354896.2); c.2445dup, p.His816fs (NM_001354897.2); c.2340dup, p.His781fs (NM_001354898.2); c.2331dup, p.His778fs (NM_001354899.2); c.2292dup, p.His765fs (NM_001354900.2); c.2238dup, p.His747fs (NM_001354901.2); and 6 more; short protein forms H646fs, H523fs, H765fs, H816fs, H824fs, H680fs, H705fs, H778fs.
Identifiers: ClinVar variation 537557 (VCV000537557.10), dbSNP rs1554084141, ClinGen allele CA658796574.
Genomic context (GRCh38, chr5:112,838,008, plus strand): 5'-ATCGTAGTAAGCAGAGACACAAGCAAAGTCTCTATGGTGATTATGTTTTTGACACCAATC[G>GA]ACATGATGATAATAGGTCAGACAATTTTAATACTGGCAACATGACTGTCCTTTCACCATA-3'

ClinVar aggregate classification (germline): Pathogenic (1 of 4 stars; one submission).

Conditions:
Familial adenomatous polyposis 1 (FAP1). Also called: FAMILIAL ADENOMATOUS POLYPOSIS 1, ATTENUATED; POLYPOSIS, ADENOMATOUS INTESTINAL. Identifiers: MedGen C2713442, MONDO:0021056, OMIM 175100. Disease mechanism: loss of function.

Submission:

Labcorp Genetics (formerly Invitae), Labcorp
Classification: Pathogenic for Familial adenomatous polyposis 1. Last evaluated: 2017-09-17. Review status: criteria provided, single submitter. Criteria: Invitae Variant Classification Sherloc (09022015). Collection method: clinical testing. Allele origin: germline.
Comment: While this particular variant has not been reported in the literature, loss-of-function variants in APC are known to be pathogenic (PMID: 20685668, 17963004). In addition, multiple truncating variants downstream of this variant have been reported as pathogenic in individuals with familial adenomatous polyposis (PMID: 17064931, 23159591, Invitae). For these reasons, this variant has been classified as Pathogenic. This variant is not present in population databases (ExAC no frequency). This sequence change results in a premature translational stop signal in the APC gene (p.His806Thrfs*2). While this is not anticipated to result in nonsense mediated decay, it is expected to delete the last 2037 amino acids of the APC protein.

Literature cited by the submitters: PubMed 20685668; PubMed 17963004; PubMed 17064931; PubMed 23159591.